The following is an entry in ClinVar:

NM_138413.4(HOGA1):c.469-1G>C

Gene: HOGA1 (4-hydroxy-2-oxoglutarate aldolase 1; plus strand). Cytogenetic location: 10q24.2.
Variant type: single nucleotide variant.
Coding change: c.469-1G>C on transcript NM_138413.4 (MANE Select); the canonical splice acceptor site of the intron before coding-DNA position 469, G replaced by C.
Molecular consequence: splice acceptor variant. On other transcripts: intron variant (1).
Genome position (GRCh38, 1-based): chr10:97,599,679, G>C. VCF-style: chr10-97599679-G-C. GRCh37 (hg19) VCF-style: chr10-99359436-G-C.
Other names: c.212-2178G>C (NM_001134670.2).
Identifiers: ClinVar variation 2664393 (VCV002664393.1), dbSNP rs1353010901, ClinGen allele CA377977731.

ClinVar aggregate classification (germline): Likely pathogenic (1 of 4 stars; one submission).

Conditions:
Primary hyperoxaluria type 3. Also called: PH III. Identifiers: Orphanet 416, Orphanet 93600, MedGen C3150878, MONDO:0013327, OMIM 613616. Disease mechanism: loss of function.

Allele frequency attached by ClinVar (database versions not stated): gnomAD exomes below 0.00001.
gnomAD v4.1: 1 of 1,614,074 alleles (0.000062%); highest among the groups gnomAD compares: South Asian, 0.0011%; no homozygotes.

Submission:

Clinical Biochemistry Laboratory, Health Services Laboratory
Classification: Likely pathogenic for Primary hyperoxaluria type 3. Last evaluated: 2023-10-27. Review status: criteria provided, single submitter. Criteria: ACMG Guidelines, 2015. Collection method: curation. Allele origin: germline.
Comment: ACMG:PVS1 PM2